The following is an entry in ClinVar:

ClinVar aggregate classification (germline): Likely pathogenic (1 of 4 stars; one submission).

Conditions:
Hereditary spherocytosis type 1. Also called: Spherocytosis type 1; ANK1-Related Spherocytosis. Identifiers: Orphanet 822, MedGen C2674218, MONDO:0008447, OMIM 182900.

Submission:

ARUP Laboratories, Molecular Genetics and Genomics, ARUP Laboratories
Classification: Likely pathogenic for Hereditary spherocytosis type 1. Last evaluated: 2025-06-10. Review status: criteria provided, single submitter. Criteria: ARUP Molecular Germline Variant Investigation Process 2024. Collection method: clinical testing. Allele origin: germline.
Comment: The ANK1 c.341_345del; p.Pro114LeufsTer13 variant, to our knowledge, is not reported in the medical literature or gene specific databases. This variant is also absent from the Genome Aggregation Database (v2.1.1), indicating it is not a common polymorphism. This variant causes a frameshift by deleting five nucleotides, so it is predicted to result in a truncated protein or mRNA subject to nonsense-mediated decay. Based on available information, this variant is considered to be likely pathogenic.

NM_000037.4(ANK1):c.341_345del (p.Pro114fs)

Gene: ANK1 (ankyrin 1; minus strand). Cytogenetic location: 8p11.21.
Variant type: Deletion.
Coding change: c.341_345del on transcript NM_000037.4 (MANE Select); coding-DNA positions 341 to 345, 5 bases deleted (CCCTG; older notation c.341_345delCCCTG).
Protein change: p.Pro114fs; shifts the reading frame from proline 114.
Molecular consequence: frameshift variant.
Genome position (GRCh38, 1-based): chr8:41,727,331-41,727,335, CAGGG deleted on the plus strand (CCCTG on the coding strand, the reverse complement: ANK1 is on the minus strand). VCF-style (leftmost placement, unchanged base first): chr8-41727330-ACAGGG-A. GRCh37 (hg19) VCF-style: chr8-41584848-ACAGGG-A.
Other names: c.440_444del, p.Pro147fs (NM_001142446.2); c.341_345del, p.Pro114fs (NM_020475.3, NM_020476.3, NM_020477.3); short protein forms P114fs, P147fs.
Identifiers: ClinVar variation 4685875 (VCV004685875.1).